The following is an entry in ClinVar:

NM_015046.7(SETX):c.6371A>G (p.Gln2124Arg)

Gene: SETX (senataxin; minus strand). Cytogenetic location: 9q34.13.
Variant type: single nucleotide variant.
Coding change: c.6371A>G on transcript NM_015046.7 (MANE Select); coding-DNA position 6371, A replaced by G.
Protein change: p.Gln2124Arg; replaces glutamine 2124 with arginine.
Molecular consequence: missense variant.
Genome position (GRCh38, 1-based): chr9:132,286,448, T>C on the plus strand (A>G on the coding strand, the complement: SETX is on the minus strand). VCF-style: chr9-132286448-T-C. GRCh37 (hg19) VCF-style: chr9-135161835-T-C.
Other names: c.6371A>G, p.Gln2124Arg (NM_001351527.2, NM_001351528.2); short protein forms Q2124R.
Identifiers: ClinVar variation 4975605 (VCV004975605.1).
Genomic context (GRCh38, chr9:132,286,448, plus strand): 5'-AAAAATCAAGAAAATGCTACAGGTGAACTACTTACCTCTTTAATTTTAGAAGCAAGTTCC[T>C]GCCTTTCCTTAGAAACTTTGGAAATGTTTTCATCTAATTCTTGCCTCTGGAAAAAAATTC-3'
Protein context (NP_055861.3, residues 2114-2134): ENISKVSKER[Gln2124Arg]ELASKIKEVQ

ClinVar aggregate classification (germline): Uncertain significance (1 of 4 stars; one submission).

gnomAD v4.1: 1 of 1,613,532 alleles (0.000062%); highest among the groups gnomAD compares: Non-Finnish European, 0.000085%; no homozygotes.

Submission:

GeneDx
Classification: Uncertain significance. Last evaluated: 2026-01-26. Review status: criteria provided, single submitter. Criteria: GeneDx Variant Classification Process June 2021. Collection method: clinical testing. Allele origin: germline.
Comment: Not observed at significant frequency in large population cohorts (gnomAD); In silico analysis suggests that this missense variant does not alter protein structure/function; Has not been previously published as pathogenic or benign to our knowledge